The following is an entry in ClinVar:

NM_052874.5(STX1B):c.252_257delinsAT (p.Ala85fs)

Gene: STX1B (syntaxin 1B; minus strand). Cytogenetic location: 16p11.2.
Variant type: Indel.
Coding change: c.252_257delinsAT on transcript NM_052874.5 (MANE Select); coding-DNA positions 252 to 257, GGCCAA replaced by AT.
Protein change: p.Ala85fs; shifts the reading frame from alanine 85.
Molecular consequence: frameshift variant.
Genome position (GRCh38, 1-based): chr16:31,000,951-31,000,956, TTGGCC replaced by AT on the plus strand (GGCCAA replaced by AT on the coding strand, the reverse complement: STX1B is on the minus strand). VCF-style: chr16-31000951-TTGGCC-AT. GRCh37 (hg19) VCF-style: chr16-31012272-TTGGCC-AT.
Other names: short protein forms A85fs.
Identifiers: ClinVar variation 968105 (VCV000968105.5), dbSNP rs2056624422, ClinGen allele CA1139664659.

ClinVar aggregate classification (germline): Pathogenic (1 of 4 stars; one submission).

Conditions:
Generalized epilepsy with febrile seizures plus, type 9 (GEFSP9). Also called: GEFS+, TYPE 9. Identifiers: Orphanet 36387, MedGen C4015395, MONDO:0014517, OMIM 616172.

Submission:

Labcorp Genetics (formerly Invitae), Labcorp
Classification: Pathogenic for Generalized epilepsy with febrile seizures plus, type 9. Last evaluated: 2024-10-30. Review status: criteria provided, single submitter. Criteria: Invitae Variant Classification Sherloc (09022015). Collection method: clinical testing. Allele origin: germline.
Comment: This sequence change creates a premature translational stop signal (p.Ala85Serfs*7) in the STX1B gene. It is expected to result in an absent or disrupted protein product. Loss-of-function variants in STX1B are known to be pathogenic (PMID: 25362483). This variant is not present in population databases (gnomAD no frequency). This variant has not been reported in the literature in individuals affected with STX1B-related conditions. For these reasons, this variant has been classified as Pathogenic.

Literature cited by the submitters: PubMed 25362483.